The following is an entry in ClinVar:

NM_006767.4(LZTR1):c.866T>C (p.Met289Thr)

Gene: LZTR1 (leucine zipper like post translational regulator 1; plus strand). Cytogenetic location: 22q11.21.
Variant type: single nucleotide variant.
Coding change: c.866T>C on transcript NM_006767.4 (MANE Select); coding-DNA position 866, T replaced by C.
Protein change: p.Met289Thr; replaces methionine 289 with threonine.
Molecular consequence: missense variant.
Genome position (GRCh38, 1-based): chr22:20,991,702, T>C. VCF-style: chr22-20991702-T-C. GRCh37 (hg19) VCF-style: chr22-21345991-T-C.
Other names: short protein forms M289T.
Identifiers: ClinVar variation 3238356 (VCV003238356.3), dbSNP rs2518617129.

ClinVar aggregate classification (germline): Uncertain significance. Review status: criteria provided, multiple submitters, no conflicts (2 of 4 stars). 2 submissions from 2 submitters: Uncertain significance (2). Last evaluated 2024-03-16.

Conditions:
Hereditary cancer-predisposing syndrome. Also called: Neoplastic Syndromes, Hereditary; Tumor predisposition; Hereditary neoplastic syndrome; Hereditary Cancer Syndrome. Identifiers: Orphanet 140162, MedGen C0027672, MeSH D009386, MONDO:0015356.
Cardiovascular phenotype. Identifiers: MedGen CN230736.

Submissions (2):

Labcorp Genetics (formerly Invitae), Labcorp
Classification: Uncertain significance. Last evaluated: 2024-03-16. Review status: criteria provided, single submitter. Criteria: Invitae Variant Classification Sherloc (09022015). Collection method: clinical testing. Allele origin: germline.
Comment: This sequence change replaces methionine, which is neutral and non-polar, with threonine, which is neutral and polar, at codon 289 of the LZTR1 protein (p.Met289Thr). This variant is not present in population databases (gnomAD no frequency). This variant has not been reported in the literature in individuals affected with LZTR1-related conditions. Advanced modeling of protein sequence and biophysical properties (such as structural, functional, and spatial information, amino acid conservation, physicochemical variation, residue mobility, and thermodynamic stability) performed at Invitae indicates that this missense variant is not expected to disrupt LZTR1 protein function with a negative predictive value of 80%. In summary, the available evidence is currently insufficient to determine the role of this variant in disease. Therefore, it has been classified as a Variant of Uncertain Significance.

Ambry Genetics
Classification: Uncertain significance for Cardiovascular phenotype; Hereditary cancer-predisposing syndrome. Last evaluated: 2023-03-29. Review status: criteria provided, single submitter. Criteria: Ambry Variant Classification Scheme 2023. Collection method: clinical testing. Allele origin: germline.
Comment: The p.M289T variant (also known as c.866T>C), located in coding exon 9 of the LZTR1 gene, results from a T to C substitution at nucleotide position 866. The methionine at codon 289 is replaced by threonine, an amino acid with similar properties. This amino acid position is conserved. In addition, this alteration is predicted to be deleterious by in silico analysis. Since supporting evidence is limited at this time, the clinical significance of this alteration remains unclear.